The following is an entry in ClinVar:

ClinVar aggregate classification (germline): Conflicting classifications of pathogenicity. Review status: criteria provided, conflicting classifications (1 of 4 stars). 4 submissions from 4 submitters: Uncertain significance (2); Likely benign (1). 1 of the submissions does not count toward it. Last evaluated 2026-04-11.

Conditions:
PEX2-related disorder. Also called: PEX2-related condition.
Zellweger spectrum disorders (ZS). Also called: Zellweger syndrome; Zellweger Spectrum Disorder (ZSD); Zellweger Spectrum Disorder; Zellweger Spectrum. Identifiers: Orphanet 912, MedGen C0043459, MONDO:0019609.
Peroxisome biogenesis disorder 5A (Zellweger) (PBD5A). Identifiers: Orphanet 912, MedGen C3553940, MONDO:0013932, OMIM 614866.

Allele frequency attached by ClinVar (database versions not stated): TOPMed 0.00003; gnomAD 0.00004; gnomAD exomes 0.00006.
gnomAD v4.1: 88 of 1,614,002 alleles (0.0055%); highest among the groups gnomAD compares: Non-Finnish European, 0.0072%; no homozygotes.

Submissions (4):

PreventionGenetics, part of Exact Sciences
Classification: Uncertain significance for PEX2-related condition. Last evaluated: 2026-04-11. Review status: criteria provided, single submitter. Criteria: ACMG Guidelines, 2015. Collection method: clinical testing. Allele origin: germline.
Comment: The PEX2 c.404T>C variant is predicted to result in the amino acid substitution p.Val135Ala. To our knowledge, this variant has not been reported in the literature. This variant is reported in 0.0040% of alleles in individuals of African descent in gnomAD. At this time, the clinical significance of this variant is uncertain due to the absence of conclusive functional and genetic evidence.

Blueprint Genetics
Classification: Likely benign. Last evaluated: 2024-10-10. Review status: criteria provided, single submitter. Criteria: ACMG Guidelines, 2015. Collection method: clinical testing. Allele origin: germline.

Labcorp Genetics (formerly Invitae), Labcorp
Classification: Uncertain significance for Peroxisome biogenesis disorder 5A (Zellweger). Last evaluated: 2023-11-27. Review status: criteria provided, single submitter. Criteria: Invitae Variant Classification Sherloc (09022015). Collection method: clinical testing. Allele origin: germline.
Comment: This sequence change replaces valine, which is neutral and non-polar, with alanine, which is neutral and non-polar, at codon 135 of the PEX2 protein (p.Val135Ala). This variant is present in population databases (rs549932565, gnomAD 0.004%). This variant has not been reported in the literature in individuals affected with PEX2-related conditions. ClinVar contains an entry for this variant (Variation ID: 970378). Advanced modeling of protein sequence and biophysical properties (such as structural, functional, and spatial information, amino acid conservation, physicochemical variation, residue mobility, and thermodynamic stability) performed at Invitae indicates that this missense variant is not expected to disrupt PEX2 protein function with a negative predictive value of 80%. In summary, the available evidence is currently insufficient to determine the role of this variant in disease. Therefore, it has been classified as a Variant of Uncertain Significance.

Natera, Inc.
Classification: Uncertain significance for Zellweger syndrome. Last evaluated: 2020-04-15. Review status: no assertion criteria provided. Collection method: clinical testing. Allele origin: germline. Not counted in ClinVar's aggregate classification.

NM_000318.3(PEX2):c.404T>C (p.Val135Ala)

Gene: PEX2 (peroxisomal biogenesis factor 2; minus strand). Cytogenetic location: 8q21.13.
Variant type: single nucleotide variant.
Coding change: c.404T>C on transcript NM_000318.3 (MANE Select); coding-DNA position 404, T replaced by C.
Protein change: p.Val135Ala; replaces valine 135 with alanine.
Molecular consequence: missense variant.
Genome position (GRCh38, 1-based): chr8:76,983,775, A>G on the plus strand (T>C on the coding strand, the complement: PEX2 is on the minus strand). VCF-style: chr8-76983775-A-G. GRCh37 (hg19) VCF-style: chr8-77896011-A-G.
Other names: c.404T>C, p.Val135Ala (NM_001079867.2, NM_001172086.2, NM_001172087.2); short protein forms V135A.
Identifiers: ClinVar variation 970378 (VCV000970378.8), dbSNP rs549932565, ClinGen allele CA4788713.